The following is an entry in ClinVar:

NM_130811.4(SNAP25):c.592C>T (p.Arg198Cys)

Gene: SNAP25 (synaptosome associated protein 25; plus strand). Cytogenetic location: 20p12.2.
Variant type: single nucleotide variant.
Coding change: c.592C>T on transcript NM_130811.4 (MANE Select); coding-DNA position 592, C replaced by T.
Protein change: p.Arg198Cys; replaces arginine 198 with cysteine.
Molecular consequence: missense variant.
Genome position (GRCh38, 1-based): chr20:10,306,168, C>T. VCF-style: chr20-10306168-C-T. GRCh37 (hg19) VCF-style: chr20-10286816-C-T.
Other names: c.592C>T, p.Arg198Cys (NM_001322907.2, NM_001322908.2, NM_001322909.2 and 9 more transcripts); short protein forms R198C.
Identifiers: ClinVar variation 2793854 (VCV002793854.3), dbSNP rs761188034, ClinGen allele CA9763409.

ClinVar aggregate classification (germline): Uncertain significance (1 of 4 stars; one submission).

Conditions:
Congenital myasthenic syndrome 18. Also called: MYASTHENIC SYNDROME, CONGENITAL, 18, WITH INTELLECTUAL DISABILITY AND ATAXIA. Identifiers: Orphanet 590, MedGen C4225364, MONDO:0014590, OMIM 616330.

Allele frequency attached by ClinVar (database versions not stated): gnomAD exomes below 0.00001; ExAC 0.00002.
gnomAD v4.1: 2 of 1,613,662 alleles (0.00012%); highest among the groups gnomAD compares: Non-Finnish European, 0.000085%; no homozygotes.

Submission:

Labcorp Genetics (formerly Invitae), Labcorp
Classification: Uncertain significance for Congenital myasthenic syndrome 18. Last evaluated: 2024-12-10. Review status: criteria provided, single submitter. Criteria: Invitae Variant Classification Sherloc (09022015). Collection method: clinical testing. Allele origin: germline.
Comment: This sequence change replaces arginine, which is basic and polar, with cysteine, which is neutral and slightly polar, at codon 198 of the SNAP25 protein (p.Arg198Cys). The frequency data for this variant in the population databases is considered unreliable, as metrics indicate poor data quality at this position in the gnomAD database. This variant has not been reported in the literature in individuals affected with SNAP25-related conditions. ClinVar contains an entry for this variant (Variation ID: 2793854). An algorithm developed to predict the effect of missense changes on protein structure and function (PolyPhen-2) suggests that this variant is likely to be disruptive. Experimental studies are conflicting or provide insufficient evidence to determine the effect of this variant on SNAP25 function (PMID: 29257047). This variant disrupts the p.Arg198 amino acid residue in SNAP25. Other variant(s) that disrupt this residue have been determined to be pathogenic (internal data). This suggests that this residue is clinically significant, and that variants that disrupt this residue are likely to be disease-causing. In summary, the available evidence is currently insufficient to determine the role of this variant in disease. Therefore, it has been classified as a Variant of Uncertain Significance.

Literature cited by the submitters: PubMed 29257047.